The following is an entry in ClinVar:

NM_006059.4(LAMC3):c.1030C>A (p.Arg344Ser)

Gene: LAMC3 (laminin subunit gamma 3; plus strand). Cytogenetic location: 9q34.12.
Variant type: single nucleotide variant.
Coding change: c.1030C>A on transcript NM_006059.4 (MANE Select); coding-DNA position 1030, C replaced by A.
Protein change: p.Arg344Ser; replaces arginine 344 with serine.
Molecular consequence: missense variant.
Genome position (GRCh38, 1-based): chr9:131,038,917, C>A. VCF-style: chr9-131038917-C-A. GRCh37 (hg19) VCF-style: chr9-133914304-C-A.
Other names: short protein forms R344S.
Identifiers: ClinVar variation 2091735 (VCV002091735.4), dbSNP rs373592073, ClinGen allele CA375258602.

ClinVar aggregate classification (germline): Uncertain significance (1 of 4 stars; one submission).

Submission:

Labcorp Genetics (formerly Invitae), Labcorp
Classification: Uncertain significance. Last evaluated: 2022-02-02. Review status: criteria provided, single submitter. Criteria: Invitae Variant Classification Sherloc (09022015). Collection method: clinical testing. Allele origin: germline.
Comment: In summary, the available evidence is currently insufficient to determine the role of this variant in disease. Therefore, it has been classified as a Variant of Uncertain Significance. Algorithms developed to predict the effect of missense changes on protein structure and function are either unavailable or do not agree on the potential impact of this missense change (SIFT: "Tolerated"; PolyPhen-2: "Probably Damaging"; Align-GVGD: "Class C0"). This variant has not been reported in the literature in individuals affected with LAMC3-related conditions. This variant is not present in population databases (gnomAD no frequency). This sequence change replaces arginine, which is basic and polar, with serine, which is neutral and polar, at codon 344 of the LAMC3 protein (p.Arg344Ser).